The following is an entry in ClinVar:

ClinVar aggregate classification (germline): Pathogenic/Likely pathogenic. Review status: criteria provided, multiple submitters, no conflicts (2 of 4 stars). 7 submissions from 7 submitters: Pathogenic (2); Likely pathogenic (2). 3 of the submissions do not count toward it. Last evaluated 2025-11-10.

Conditions:
Charcot-Marie-Tooth disease. Also called: Charcot-Marie-Tooth Neuropathy; Charcot-Marie-Tooth Hereditary Neuropathy. Identifiers: Orphanet 166, MedGen C0007959, MONDO:0015626.
Charcot-Marie-Tooth disease, type I (CMT1). Also called: Charcot-Marie-Tooth disease type 1; Charcot-Marie-Tooth, Type 1. Identifiers: Orphanet 65753, MedGen C0751036, MONDO:0019011.
Charcot-Marie-Tooth disease, type IA (CMT1A). Also called: CHARCOT-MARIE-TOOTH DISEASE, DEMYELINATING, TYPE 1A; Charcot-Marie-Tooth disease type 1A; CMT 1A; Hereditary motor and sensory neuropathy 1A; HMSN 1A; HEREDITARY MOTOR AND SENSORY NEUROPATHY IA. Identifiers: Orphanet 101081, MedGen C0270911, MONDO:0007309, OMIM 118220.

gnomAD v4.1: 1 of 1,552,364 alleles (0.000064%); no homozygotes.

Submissions (7):

GeneDx
Classification: Likely pathogenic. Last evaluated: 2025-11-10. Review status: criteria provided, single submitter. Criteria: GeneDx Variant Classification Process June 2021. Collection method: clinical testing. Allele origin: germline.
Comment: Reported previously as a heterozygous variant in a patient with unusual late onset symptoms of numbness in lower limbs, difficulty walking, hearing impairment, slight weakness of muscles, absent deep tendon reflexes, and an abnormal EMG and nerve biopsy (PMID: 23263778); Not observed at significant frequency in large population cohorts (gnomAD); In silico analysis supports that this missense variant has a deleterious effect on protein structure/function; This variant is associated with the following publications: (PMID: 28374912, 23224996, 23263778, 35886002, 15099592)

3billion
Classification: Pathogenic for Charcot-Marie-Tooth disease, type IA. Last evaluated: 2025-09-05. Review status: criteria provided, single submitter. Criteria: ACMG Guidelines, 2015. Collection method: clinical testing. Allele origin: germline. Affected: yes.
Comment: The variant is observed at an extremely low frequency in the gnomAD v4.1.0 dataset (total allele frequency: <0.001%). Predicted Consequence/Location: Missense variant In silico tool predictions suggest damaging effect of the variant on gene or gene product [REVEL: 0.85 (>=0.6, sensitivity 0.68 and specificity 0.92); 3Cnet: 0.95 (> 0.75, sensitivity 0.96 and precision 0.92)]. The same nucleotide change resulting in the same amino acid change has been previously reported as pathogenic/likely pathogenic with strong evidence (ClinVar ID: VCV000411592 /PMID: 15099592 /3billion dataset). The variant has been observed in at least two similarly affected unrelated individuals (PMID: 15099592, 23263778). The variant has been reported to co-segregate with the disease in at least 3 similarly affected relatives/individuals in the same family or similarly affected unrelated families (PMID: 15099592). A different missense change at the same codon (p.Thr23Lys) has been reported as pathogenic/likely pathogenic with strong evidence (ClinVar ID: VCV001349839). Therefore, this variant is classified as Pathogenic according to the recommendation of ACMG/AMP guideline.

Labcorp Genetics (formerly Invitae), Labcorp
Classification: Pathogenic for Charcot-Marie-Tooth disease, type I. Last evaluated: 2025-04-02. Review status: criteria provided, single submitter. Criteria: Invitae Variant Classification Sherloc (09022015). Collection method: clinical testing. Allele origin: germline.
Comment: This sequence change replaces threonine, which is neutral and polar, with arginine, which is basic and polar, at codon 23 of the PMP22 protein (p.Thr23Arg). This variant is not present in population databases (gnomAD no frequency). This missense change has been observed in individuals with Charcot-Marie-Tooth disease, type 1A (CMT1A) (PMID: 15099592, 23263778; internal data). It has also been observed to segregate with disease in related individuals. ClinVar contains an entry for this variant (Variation ID: 411592). Invitae Evidence Modeling of protein sequence and biophysical properties (such as structural, functional, and spatial information, amino acid conservation, physicochemical variation, residue mobility, and thermodynamic stability) indicates that this missense variant is expected to disrupt PMP22 protein function with a positive predictive value of 95%. For these reasons, this variant has been classified as Pathogenic.

Athena Diagnostics
Classification: Likely pathogenic. Last evaluated: 2017-10-12. Review status: criteria provided, single submitter. Criteria: Athena Diagnostics Criteria. Collection method: clinical testing. Allele origin: unknown.
Comment: This variant has not been reported in large, multi-ethnic general populations. Computational tools predict that this variant is damaging. This variant appears to segregate with disease in at least one family, however, the available information does not rule out segregation due to chance.

Clinical Genetics, Academic Medical Center
Classification: Pathogenic. Review status: no assertion criteria provided. Collection method: clinical testing. Allele origin: germline. Affected: yes. Study: VKGL Data-share Consensus. Not counted in ClinVar's aggregate classification.

Inherited Neuropathy Consortium
Classification: Uncertain significance for Charcot-Marie-Tooth disease. Review status: no assertion criteria provided. Collection method: literature only. Allele origin: germline. Affected: yes. Not counted in ClinVar's aggregate classification.

Joint Genome Diagnostic Labs from Nijmegen and Maastricht, Radboudumc and MUMC+
Classification: Likely pathogenic. Review status: no assertion criteria provided. Collection method: clinical testing. Allele origin: germline. Affected: yes. Study: VKGL Data-share Consensus. Not counted in ClinVar's aggregate classification.

Literature cited by the submitters: PubMed 23263778 (cited by 3 submitters); PubMed 15099592 (cited by 4 submitters).

NM_000304.4(PMP22):c.68C>G (p.Thr23Arg)

Gene: PMP22 (peripheral myelin protein 22; minus strand). Cytogenetic location: 17p12.
Variant type: single nucleotide variant.
Coding change: c.68C>G on transcript NM_000304.4 (MANE Select); coding-DNA position 68, C replaced by G.
Protein change: p.Thr23Arg; replaces threonine 23 with arginine.
Molecular consequence: missense variant.
Genome position (GRCh38, 1-based): chr17:15,260,660, G>C on the plus strand (C>G on the coding strand, the complement: PMP22 is on the minus strand). VCF-style: chr17-15260660-G-C. GRCh37 (hg19) VCF-style: chr17-15163977-G-C.
Other names: c.68C>G, p.Thr23Arg (NM_001281455.2, NM_001281456.2, NM_001330143.2 and 2 more transcripts); short protein forms T23R.
Identifiers: ClinVar variation 411592 (VCV000411592.14), dbSNP rs906563423, ClinGen allele CA16615515.